The following is an entry in ClinVar:

NM_006121.4(KRT1):c.256C>T (p.Arg86Cys)

Gene: KRT1 (keratin 1; minus strand). Cytogenetic location: 12q13.13.
Variant type: single nucleotide variant.
Coding change: c.256C>T on transcript NM_006121.4 (MANE Select); coding-DNA position 256, C replaced by T.
Protein change: p.Arg86Cys; replaces arginine 86 with cysteine.
Molecular consequence: missense variant.
Genome position (GRCh38, 1-based): chr12:52,680,093, G>A on the plus strand (C>T on the coding strand, the complement: KRT1 is on the minus strand). VCF-style: chr12-52680093-G-A. GRCh37 (hg19) VCF-style: chr12-53073877-G-A.
Other names: short protein forms R86C.
Identifiers: ClinVar variation 4751541 (VCV004751541.1).

ClinVar aggregate classification (germline): Uncertain significance (1 of 4 stars; one submission).

Submission:

Labcorp Genetics (formerly Invitae), Labcorp
Classification: Uncertain significance. Last evaluated: 2025-12-08. Review status: criteria provided, single submitter. Criteria: Invitae Variant Classification Sherloc (09022015). Collection method: clinical testing. Allele origin: germline.
Comment: This sequence change replaces arginine, which is basic and polar, with cysteine, which is neutral and slightly polar, at codon 86 of the KRT1 protein (p.Arg86Cys). The frequency data for this variant in the population databases is considered unreliable, as metrics indicate poor data quality at this position in the gnomAD database. This variant has not been reported in the literature in individuals affected with KRT1-related conditions. Invitae Evidence Modeling of protein sequence and biophysical properties (such as structural, functional, and spatial information, amino acid conservation, physicochemical variation, residue mobility, and thermodynamic stability) indicates that this missense variant is not expected to disrupt KRT1 protein function with a negative predictive value of 80%. In summary, the available evidence is currently insufficient to determine the role of this variant in disease. Therefore, it has been classified as a Variant of Uncertain Significance.